The following is an entry in ClinVar:

NM_001270974.2(HYDIN):c.3018C>T (p.Leu1006=)

Gene: HYDIN (HYDIN axonemal central pair apparatus protein; minus strand). Cytogenetic location: 16q22.2.
Variant type: single nucleotide variant.
Coding change: c.3018C>T on transcript NM_001270974.2 (MANE Select); coding-DNA position 3018, C replaced by T.
Protein change: p.Leu1006=; no amino-acid change (leucine 1006 retained).
Molecular consequence: synonymous variant.
Genome position (GRCh38, 1-based): chr16:71,027,626, G>A on the plus strand (C>T on the coding strand, the complement: HYDIN is on the minus strand). VCF-style: chr16-71027626-G-A. GRCh37 (hg19) VCF-style: chr16-71061529-G-A.
Other names: c.3018C>T, p.Leu1006= (NM_017558.5).
Identifiers: ClinVar variation 3250566 (VCV003250566.19), dbSNP rs141223232.

ClinVar aggregate classification (germline): Likely benign. Review status: criteria provided, multiple submitters, no conflicts (2 of 4 stars). 2 submissions from 2 submitters: Likely benign (2). Last evaluated 2025-01-01.

Allele frequency attached by ClinVar (database versions not stated): gnomAD exomes 0.00020; ExAC 0.00029; 1000 Genomes Project 0.00040; 1000 Genomes Project 30x 0.00047; TOPMed 0.00064; gnomAD 0.00065; ESP Exome Variant Server 0.00069.
gnomAD v4.1: 420 of 1,613,670 alleles (0.026%); highest among the groups gnomAD compares: Middle Eastern, 0.26%; 2 homozygotes.

Submissions (2):

CeGaT Center for Human Genetics Tuebingen
Classification: Likely benign. Last evaluated: 2025-01-01. Review status: criteria provided, single submitter. Criteria: CeGaT Center For Human Genetics Tuebingen Variant Classification Criteria Version 2. Collection method: clinical testing. Allele origin: germline. Affected: yes. Observed: 3 variant alleles.
Comment: HYDIN: BP4, BP7

Blueprint Genetics
Classification: Likely benign. Last evaluated: 2024-11-08. Review status: criteria provided, single submitter. Criteria: ACMG Guidelines, 2015. Collection method: clinical testing. Allele origin: germline.